The following is an entry in ClinVar:

ClinVar aggregate classification (germline): Conflicting classifications of pathogenicity. Review status: criteria provided, conflicting classifications (1 of 4 stars). 4 submissions from 4 submitters: Likely pathogenic (1); Uncertain significance (1). 2 of the submissions do not count toward it. Last evaluated 2020-03-12.

Conditions:
Sandhoff disease. Also called: Beta-hexosaminidase-beta-subunit deficiency; GM2 gangliosidosis, type 2; Total hexosaminidase deficiency; Sandhoff-Jatzkewitz-Pilz disease; GM2-GANGLIOSIDOSIS, TYPE II; HEXOSAMINIDASES A AND B DEFICIENCY. Identifiers: Orphanet 796, MedGen C0036161, MONDO:0010006, OMIM 268800.

Submissions (4):

Labcorp Genetics (formerly Invitae), Labcorp
Classification: Likely pathogenic for Sandhoff disease. Last evaluated: 2020-03-12. Review status: criteria provided, single submitter. Criteria: Invitae Variant Classification Sherloc (09022015). Collection method: clinical testing. Allele origin: germline.
Comment: In summary, the currently available evidence indicates that the variant is pathogenic, but additional data are needed to prove that conclusively. Therefore, this variant has been classified as Likely Pathogenic. Nucleotide substitutions within the consensus splice site are a relatively common cause of aberrant splicing (PMID: 17576681, 9536098). Algorithms developed to predict the effect of sequence changes on RNA splicing suggest that this variant may disrupt the consensus splice site, but this prediction has not been confirmed by published transcriptional studies. This variant has been observed in individual(s) with Sandhoff disease (PMID: 21567908, 27629047, Invitae). ClinVar contains an entry for this variant (Variation ID: 93195). This variant is not present in population databases (ExAC no frequency). This sequence change falls in intron 9 of the HEXB gene. It does not directly change the encoded amino acid sequence of the HEXB protein, but it affects a nucleotide within the consensus splice site of the intron.

Eurofins Ntd Llc (ga)
Classification: Uncertain significance. Last evaluated: 2012-08-10. Review status: criteria provided, single submitter. Criteria: EGL Classification Definitions 2015. Collection method: clinical testing. Allele origin: germline. Observed: 5 variant alleles, 3 heterozygotes, 2 homozygotes.

Clinical Laboratory Sciences Program (CLSP), King Saud bin Abdulaziz University for Health Sciences (KSAU-HS)
Classification: Pathogenic for Sandhoff disease. Last evaluated: 2023-04-01. Review status: no assertion criteria provided. Collection method: clinical testing. Allele origin: germline. Affected: yes. Not counted in ClinVar's aggregate classification.

Biochemical Molecular Genetic Laboratory, King Abdulaziz Medical City
Classification: Pathogenic for Sandhoff disease. Last evaluated: 2020-02-05. Review status: no assertion criteria provided. Collection method: clinical testing. Allele origin: germline. Affected: yes. Not counted in ClinVar's aggregate classification.

Literature cited by the submitters: PubMed 17576681 (cited by Labcorp Genetics (formerly Invitae), Labcorp); PubMed 9536098 (cited by Labcorp Genetics (formerly Invitae), Labcorp); PubMed 21567908 (cited by Labcorp Genetics (formerly Invitae), Labcorp); PubMed 27629047 (cited by Labcorp Genetics (formerly Invitae), Labcorp).

NM_000521.4(HEXB):c.1169+3_1169+10del

Gene: HEXB (hexosaminidase subunit beta; plus strand). Cytogenetic location: 5q13.3.
Variant type: Deletion.
Coding change: c.1169+3_1169+10del on transcript NM_000521.4 (MANE Select); bases 3 to 10 of the intron after coding-DNA position 1169, 8 bases deleted (AAGTTGTT; older notation c.1169+3_1169+10delAAGTTGTT).
Molecular consequence: splice donor variant.
Genome position (GRCh38, 1-based): chr5:74,716,676-74,716,683, AAGTTGTT deleted; deleting any 8 consecutive bases within chr5:74,716,675-74,716,683 gives the same sequence; the c. name uses the placement nearest the transcript's 3' end. VCF-style (leftmost placement, unchanged base first): chr5-74716674-GTAAGTTGT-G. GRCh37 (hg19) VCF-style: chr5-74012499-GTAAGTTGT-G.
Other names: c.494+3_494+10del (NM_001292004.2); c.1169+3_1169+10del (NM_000521.3).
Identifiers: ClinVar variation 93195 (VCV000093195.30), dbSNP rs398123444, ClinGen allele CA221069.